The following is an entry in ClinVar:

NM_002834.5(PTPN11):c.853+3A>G

Gene: PTPN11 (protein tyrosine phosphatase non-receptor type 11; plus strand). Cytogenetic location: 12q24.13.
Variant type: single nucleotide variant.
Coding change: c.853+3A>G on transcript NM_002834.5 (MANE Select); 3 bases into the intron after coding-DNA position 853, A replaced by G.
Molecular consequence: intron variant.
Genome position (GRCh38, 1-based): chr12:112,473,043, A>G. VCF-style: chr12-112473043-A-G. GRCh37 (hg19) VCF-style: chr12-112910847-A-G.
Other names: c.853+3A>G (NM_001330437.2, NM_080601.3); c.850+3A>G (NM_001374625.1).
Identifiers: ClinVar variation 2857560 (VCV002857560.3), dbSNP rs2540445788, ClinGen allele CA2739277314.
Genomic context (GRCh38, chr12:112,473,043, plus strand): 5'-AAAGAGGGTCAAAGGCAAGAAAACAAAAACAAAAATAGATATAAAAACATCCTGCCCTGT[A>G]AGTATCAATATTCCGCTCAGTAATAGTCACTCTTGGAGATTTTGATTCCTAGCACCTCTG-3'

ClinVar aggregate classification (germline): Uncertain significance (1 of 4 stars; one submission).

Conditions:
RASopathy. Also called: Noonan spectrum disorder; rasopathies. Identifiers: Orphanet 536391, MedGen C5555857, MONDO:0021060.

Submission:

Labcorp Genetics (formerly Invitae), Labcorp
Classification: Uncertain significance for RASopathy. Last evaluated: 2023-04-28. Review status: criteria provided, single submitter. Criteria: Invitae Variant Classification Sherloc (09022015). Collection method: clinical testing. Allele origin: germline.
Comment: In summary, the available evidence is currently insufficient to determine the role of this variant in disease. Therefore, it has been classified as a Variant of Uncertain Significance. Variants that disrupt the consensus splice site are a relatively common cause of aberrant splicing (PMID: 17576681, 9536098). Algorithms developed to predict the effect of sequence changes on RNA splicing suggest that this variant is not likely to affect RNA splicing. This variant has not been reported in the literature in individuals affected with PTPN11-related conditions. This variant is not present in population databases (gnomAD no frequency). This sequence change falls in intron 7 of the PTPN11 gene. It does not directly change the encoded amino acid sequence of the PTPN11 protein. It affects a nucleotide within the consensus splice site.

Literature cited by the submitters: PubMed 17576681; PubMed 9536098.